The following is an entry in ClinVar:

ClinVar aggregate classification (germline): Uncertain significance (1 of 4 stars; one submission).

Allele frequency attached by ClinVar (database versions not stated): gnomAD 0.00001; ExAC 0.00002; gnomAD exomes 0.00002; TOPMed 0.00002; ESP Exome Variant Server 0.00008.
gnomAD v4.1: 36 of 1,571,720 alleles (0.0023%); highest among the groups gnomAD compares: Non-Finnish European, 0.0029%; no homozygotes.

Submission:

Labcorp Genetics (formerly Invitae), Labcorp
Classification: Uncertain significance. Last evaluated: 2022-04-15. Review status: criteria provided, single submitter. Criteria: Invitae Variant Classification Sherloc (09022015). Collection method: clinical testing. Allele origin: germline.
Comment: In summary, the available evidence is currently insufficient to determine the role of this variant in disease. Therefore, it has been classified as a Variant of Uncertain Significance. Algorithms developed to predict the effect of missense changes on protein structure and function (SIFT, PolyPhen-2, Align-GVGD) all suggest that this variant is likely to be disruptive. This variant has not been reported in the literature in individuals affected with NDUFA2-related conditions. This variant is present in population databases (rs138906500, gnomAD 0.003%). This sequence change replaces serine, which is neutral and polar, with phenylalanine, which is neutral and non-polar, at codon 59 of the NDUFA2 protein (p.Ser59Phe).

NM_002488.5(NDUFA2):c.176C>T (p.Ser59Phe)

Genes: NDUFA2 (NADH:ubiquinone oxidoreductase subunit A2; minus strand), TMCO6 (transmembrane and coiled-coil domains 6; plus strand). Cytogenetic location: 5q31.3.
Variant type: single nucleotide variant.
Coding change: c.176C>T on transcript NM_002488.5 (MANE Select); coding-DNA position 176, C replaced by T.
Protein change: p.Ser59Phe; replaces serine 59 with phenylalanine.
Molecular consequence: missense variant. On other transcripts: non-coding transcript variant (1).
Genome position (GRCh38, 1-based): chr5:140,647,288, G>A on the plus strand (C>T on the coding strand, the complement: NDUFA2 is on the minus strand). VCF-style: chr5-140647288-G-A. GRCh37 (hg19) VCF-style: chr5-140026873-G-A.
Other names: c.176C>T, p.Ser59Phe (NM_001185012.2); short protein forms S59F.
Identifiers: ClinVar variation 2150348 (VCV002150348.4), dbSNP rs138906500, ClinGen allele CA3442501.